The following is an entry in ClinVar:

ClinVar aggregate classification (germline): Uncertain significance (1 of 4 stars; one submission).

Conditions:
Inborn genetic diseases. Identifiers: MedGen C0950123, MeSH D030342.

Allele frequency attached by ClinVar (database versions not stated): TOPMed below 0.00001.

Submission:

Ambry Genetics
Classification: Uncertain significance for Inborn genetic diseases. Last evaluated: 2017-07-19. Review status: criteria provided, single submitter. Criteria: Ambry Variant Classification Scheme 2023. Collection method: clinical testing. Allele origin: germline.
Comment: The p.D146N variant (also known as c.436G>A), located in coding exon 1 of the NRXN1 gene, results from a G to A substitution at nucleotide position 436. The aspartic acid at codon 146 is replaced by asparagine, an amino acid with highly similar properties. This amino acid position is well conserved in available vertebrate species. In addition, this alteration is predicted to be possibly damaging and tolerated by PolyPhen and SIFT in silico. Since supporting evidence is limited at this time, the clinical significance of this alteration remains unclear.analyses, respectively.

NM_001330078.2(NRXN1):c.436G>A (p.Asp146Asn)

Gene: NRXN1 (neurexin 1; minus strand). Cytogenetic location: 2p16.3.
Variant type: single nucleotide variant.
Coding change: c.436G>A on transcript NM_001330078.2 (MANE Select); coding-DNA position 436, G replaced by A.
Protein change: p.Asp146Asn; replaces aspartic acid 146 with asparagine.
Molecular consequence: missense variant.
Genome position (GRCh38, 1-based): chr2:51,027,838, C>T on the plus strand (G>A on the coding strand, the complement: NRXN1 is on the minus strand). VCF-style: chr2-51027838-C-T. GRCh37 (hg19) VCF-style: chr2-51254976-C-T.
Other names: c.436G>A, p.Asp146Asn (NM_001135659.3, NM_001330077.2, NM_001330079.2 and 15 more transcripts); short protein forms D146N.
Identifiers: ClinVar variation 1740075 (VCV001740075.2), dbSNP rs1670812373, ClinGen allele CA346824004.